The following is an entry in ClinVar:

ClinVar aggregate classification (germline): Benign/Likely benign. Review status: criteria provided, multiple submitters, no conflicts (2 of 4 stars). 6 submissions from 6 submitters: Benign (2); Likely benign (1). 3 of the submissions do not count toward it. Last evaluated 2026-02-02.

Conditions:
DHX38-related disorder. Also called: DHX38-related condition.

Allele frequency attached by ClinVar (database versions not stated): gnomAD exomes 0.00018 and 0.00036; ExAC 0.00031; 1000 Genomes Project 30x 0.00078; gnomAD 0.00089 and 0.00099; 1000 Genomes Project 0.00100; ESP Exome Variant Server 0.00100; TOPMed 0.00109.
gnomAD v4.1: 444 of 1,614,174 alleles (0.028%); highest among the groups gnomAD compares: African/African-American, 0.3%; 1 homozygote.

Submissions (6):

Labcorp Genetics (formerly Invitae), Labcorp
Classification: Benign. Last evaluated: 2026-02-02. Review status: criteria provided, single submitter. Criteria: Invitae Variant Classification Sherloc (09022015). Collection method: clinical testing. Allele origin: germline.

Blueprint Genetics
Classification: Likely benign. Last evaluated: 2024-11-01. Review status: criteria provided, single submitter. Criteria: ACMG Guidelines, 2015. Collection method: clinical testing. Allele origin: germline.

Breakthrough Genomics
Classification: Benign. Review status: criteria provided, single submitter. Criteria: ACMG Guidelines, 2015. Collection method: not provided. Allele origin: germline. Inheritance: Autosomal recessive inheritance. Affected: yes.

PreventionGenetics, part of Exact Sciences
Classification: Likely benign for DHX38-related condition. Last evaluated: 2019-05-22. Review status: no assertion criteria provided. Collection method: clinical testing. Allele origin: germline. Not counted in ClinVar's aggregate classification.
Comment: This variant is classified as likely benign based on ACMG/AMP sequence variant interpretation guidelines (Richards et al. 2015 PMID: 25741868, with internal and published modifications).

Clinical Genetics DNA and cytogenetics Diagnostics Lab, Erasmus MC, Erasmus Medical Center
Classification: Likely benign. Review status: no assertion criteria provided. Collection method: clinical testing. Allele origin: germline. Affected: yes. Study: VKGL Data-share Consensus. Not counted in ClinVar's aggregate classification.

Clinical Genetics, Academic Medical Center
Classification: Benign. Review status: no assertion criteria provided. Collection method: clinical testing. Allele origin: germline. Affected: yes. Study: VKGL Data-share Consensus. Not counted in ClinVar's aggregate classification.

NM_014003.4(DHX38):c.84G>A (p.Lys28=)

Gene: DHX38 (DEAH-box helicase 38; plus strand). Cytogenetic location: 16q22.2.
Variant type: single nucleotide variant.
Coding change: c.84G>A on transcript NM_014003.4 (MANE Select); coding-DNA position 84, G replaced by A.
Protein change: p.Lys28=; no amino-acid change (lysine 28 retained).
Molecular consequence: synonymous variant.
Genome position (GRCh38, 1-based): chr16:72,096,241, G>A. VCF-style: chr16-72096241-G-A. GRCh37 (hg19) VCF-style: chr16-72130140-G-A.
Other names: c.84G>A (NM_014003.3).
Identifiers: ClinVar variation 1169701 (VCV001169701.16), dbSNP rs34425506, ClinGen allele CA8159866.